The following is an entry in ClinVar:

NM_000081.4(LYST):c.235C>G (p.Leu79Val)

Gene: LYST (lysosomal trafficking regulator; minus strand). Cytogenetic location: 1q42.3.
Variant type: single nucleotide variant.
Coding change: c.235C>G on transcript NM_000081.4 (MANE Select); coding-DNA position 235, C replaced by G.
Protein change: p.Leu79Val; replaces leucine 79 with valine.
Molecular consequence: missense variant.
Genome position (GRCh38, 1-based): chr1:235,813,019, G>C on the plus strand (C>G on the coding strand, the complement: LYST is on the minus strand). VCF-style: chr1-235813019-G-C. GRCh37 (hg19) VCF-style: chr1-235976319-G-C.
Other names: c.235C>G, p.Leu79Val (NM_001301365.1); short protein forms L79V.
Identifiers: ClinVar variation 1062361 (VCV001062361.8), dbSNP rs1173921496, ClinGen allele CA344965984.

ClinVar aggregate classification (germline): Uncertain significance (1 of 4 stars; one submission).

Conditions:
Chédiak-Higashi syndrome (CHS). Also called: Chediak-Higashi Syndrome. Identifiers: Orphanet 167, MedGen C0007965, MONDO:0008963, OMIM 214500.

Allele frequency attached by ClinVar (database versions not stated): gnomAD exomes below 0.00001.
gnomAD v4.1: 2 of 1,612,320 alleles (0.00012%); highest among the groups gnomAD compares: African/African-American, 0.0013%; no homozygotes.

Submission:

Labcorp Genetics (formerly Invitae), Labcorp
Classification: Uncertain significance for Chédiak-Higashi syndrome. Last evaluated: 2020-05-13. Review status: criteria provided, single submitter. Criteria: Invitae Variant Classification Sherloc (09022015). Collection method: clinical testing. Allele origin: germline.
Comment: In summary, the available evidence is currently insufficient to determine the role of this variant in disease. Therefore, it has been classified as a Variant of Uncertain Significance. Algorithms developed to predict the effect of missense changes on protein structure and function are either unavailable or do not agree on the potential impact of this missense change (SIFT: "Deleterious"; PolyPhen-2: "Benign"; Align-GVGD: "Class C0"). This variant has not been reported in the literature in individuals with LYST-related conditions. This variant is not present in population databases (ExAC no frequency). This sequence change replaces leucine with valine at codon 79 of the LYST protein (p.Leu79Val). The leucine residue is moderately conserved and there is a small physicochemical difference between leucine and valine.